The following is an entry in ClinVar:

ClinVar aggregate classification (germline): Likely pathogenic (1 of 4 stars; one submission).

Conditions:
Mucopolysaccharidosis type 6 (MPS6). Also called: MPS 6; Maroteaux Lamy syndrome; MPS VI; N-ACETYLGALACTOSAMINE-4-SULFATASE DEFICIENCY; ARSB DEFICIENCY; ARYLSULFATASE B DEFICIENCY. Identifiers: Orphanet 583, MedGen C0026709, MONDO:0009661, OMIM 253200.

Submission:

Labcorp Genetics (formerly Invitae), Labcorp
Classification: Likely pathogenic for Mucopolysaccharidosis type 6. Last evaluated: 2023-11-02. Review status: criteria provided, single submitter. Criteria: Invitae Variant Classification Sherloc (09022015). Collection method: clinical testing. Allele origin: germline.
Comment: This sequence change affects a donor splice site in intron 3 of the ARSB gene. It is expected to disrupt RNA splicing. Variants that disrupt the donor or acceptor splice site typically lead to a loss of protein function (PMID: 16199547), and loss-of-function variants in ARSB are known to be pathogenic (PMID: 17458871, 22133300). This variant is not present in population databases (gnomAD no frequency). This variant has not been reported in the literature in individuals affected with ARSB-related conditions. Algorithms developed to predict the effect of sequence changes on RNA splicing suggest that this variant may disrupt the consensus splice site. In summary, the currently available evidence indicates that the variant is pathogenic, but additional data are needed to prove that conclusively. Therefore, this variant has been classified as Likely Pathogenic.

Literature cited by the submitters: PubMed 16199547; PubMed 17458871; PubMed 22133300.

NM_000046.5(ARSB):c.690+2T>G

Gene: ARSB (arylsulfatase B; minus strand). Cytogenetic location: 5q14.1.
Variant type: single nucleotide variant.
Coding change: c.690+2T>G on transcript NM_000046.5 (MANE Select); the canonical splice donor site of the intron after coding-DNA position 690, T replaced by G.
Molecular consequence: splice donor variant.
Genome position (GRCh38, 1-based): chr5:78,964,414, A>C on the plus strand (T>G on the coding strand, the complement: ARSB is on the minus strand). VCF-style: chr5-78964414-A-C. GRCh37 (hg19) VCF-style: chr5-78260237-A-C.
Other names: c.690+2T>G (NM_198709.3).
Identifiers: ClinVar variation 2692648 (VCV002692648.3), dbSNP rs1267623765, ClinGen allele CA360192947.